The following is an entry in ClinVar:

NM_018671.5(UNC45A):c.1528G>C (p.Gly510Arg)

Gene: UNC45A (unc-45 myosin chaperone A; plus strand). Cytogenetic location: 15q26.1.
Variant type: single nucleotide variant.
Coding change: c.1528G>C on transcript NM_018671.5 (MANE Select); coding-DNA position 1528, G replaced by C.
Protein change: p.Gly510Arg; replaces glycine 510 with arginine.
Molecular consequence: missense variant.
Genome position (GRCh38, 1-based): chr15:90,947,823, G>C. VCF-style: chr15-90947823-G-C. GRCh37 (hg19) VCF-style: chr15-91491053-G-C.
Other names: c.1483G>C, p.Gly495Arg (NM_001039675.2, NM_001323621.2); c.1528G>C, p.Gly510Arg (NM_001323619.1); c.1093G>C, p.Gly365Arg (NM_001323620.2); short protein forms G510R, G365R, G495R.
Identifiers: ClinVar variation 1437004 (VCV001437004.6), dbSNP rs2036651368, ClinGen allele CA393857169.

ClinVar aggregate classification (germline): Uncertain significance (1 of 4 stars; one submission).

Submission:

Labcorp Genetics (formerly Invitae), Labcorp
Classification: Uncertain significance. Last evaluated: 2021-09-06. Review status: criteria provided, single submitter. Criteria: Invitae Variant Classification Sherloc (09022015). Collection method: clinical testing. Allele origin: germline.
Comment: This sequence change replaces glycine with arginine at codon 510 of the UNC45A protein (p.Gly510Arg). The glycine residue is highly conserved and there is a moderate physicochemical difference between glycine and arginine. This variant is not present in population databases (ExAC no frequency). This variant has not been reported in the literature in individuals affected with UNC45A-related conditions. Algorithms developed to predict the effect of missense changes on protein structure and function are either unavailable or do not agree on the potential impact of this missense change (SIFT: "Not Available"; PolyPhen-2: "Probably Damaging"; Align-GVGD: "Not Available"). In summary, the available evidence is currently insufficient to determine the role of this variant in disease. Therefore, it has been classified as a Variant of Uncertain Significance.